The following is an entry in ClinVar:

NM_000171.4(GLRA1):c.520C>T (p.Pro174Ser)

Gene: GLRA1 (glycine receptor alpha 1; minus strand). Cytogenetic location: 5q33.1.
Variant type: single nucleotide variant.
Coding change: c.520C>T on transcript NM_000171.4 (MANE Select); coding-DNA position 520, C replaced by T.
Protein change: p.Pro174Ser; replaces proline 174 with serine.
Molecular consequence: missense variant.
Genome position (GRCh38, 1-based): chr5:151,856,340, G>A on the plus strand (C>T on the coding strand, the complement: GLRA1 is on the minus strand). VCF-style: chr5-151856340-G-A. GRCh37 (hg19) VCF-style: chr5-151235901-G-A.
Other names: c.520C>T, p.Pro174Ser (NM_001146040.2); c.271C>T, p.Pro91Ser (NM_001292000.2); short protein forms P91S, P174S.
Identifiers: ClinVar variation 665214 (VCV000665214.10), dbSNP rs774560550, ClinGen allele CA3523670.

ClinVar aggregate classification (germline): Uncertain significance (1 of 4 stars; one submission).

Conditions:
Hereditary hyperekplexia. Identifiers: Orphanet 3197, MedGen C4084968, MONDO:0021022.

Allele frequency attached by ClinVar (database versions not stated): gnomAD exomes below 0.00001; ExAC 0.00001; gnomAD 0.00001; TOPMed 0.00004.
gnomAD v4.1: 3 of 1,612,222 alleles (0.00019%); highest among the groups gnomAD compares: Admixed American, 0.005%; no homozygotes.

Submission:

Labcorp Genetics (formerly Invitae), Labcorp
Classification: Uncertain significance for Hereditary hyperekplexia. Last evaluated: 2024-06-05. Review status: criteria provided, single submitter. Criteria: Invitae Variant Classification Sherloc (09022015). Collection method: clinical testing. Allele origin: germline.
Comment: This sequence change replaces proline, which is neutral and non-polar, with serine, which is neutral and polar, at codon 174 of the GLRA1 protein (p.Pro174Ser). This variant is present in population databases (rs774560550, gnomAD 0.003%). This variant has not been reported in the literature in individuals affected with GLRA1-related conditions. ClinVar contains an entry for this variant (Variation ID: 665214). Advanced modeling of protein sequence and biophysical properties (such as structural, functional, and spatial information, amino acid conservation, physicochemical variation, residue mobility, and thermodynamic stability) performed at Invitae indicates that this missense variant is expected to disrupt GLRA1 protein function with a positive predictive value of 95%. In summary, the available evidence is currently insufficient to determine the role of this variant in disease. Therefore, it has been classified as a Variant of Uncertain Significance.